The following is an entry in ClinVar:

NM_001378974.1(FBXW11):c.1135G>A (p.Val379Ile)

Gene: FBXW11 (F-box and WD repeat domain containing 11; minus strand). Cytogenetic location: 5q35.1.
Variant type: single nucleotide variant.
Coding change: c.1135G>A on transcript NM_001378974.1 (MANE Select); coding-DNA position 1135, G replaced by A.
Protein change: p.Val379Ile; replaces valine 379 with isoleucine.
Molecular consequence: missense variant.
Genome position (GRCh38, 1-based): chr5:171,876,371, C>T on the plus strand (G>A on the coding strand, the complement: FBXW11 is on the minus strand). VCF-style: chr5-171876371-C-T. GRCh37 (hg19) VCF-style: chr5-171303375-C-T.
Other names: c.1066G>A, p.Val356Ile (NM_001378975.1); c.1039G>A, p.Val347Ile (NM_001378976.1); c.976G>A, p.Val326Ile (NM_001378977.1, NM_001378978.1, NM_001378979.1); c.970G>A, p.Val324Ile (NM_001378980.1, NM_033645.3); c.1072G>A, p.Val358Ile (NM_012300.3); c.1033G>A, p.Val345Ile (NM_033644.3); short protein forms V324I, V326I, V345I, V347I, V356I, V358I, V379I.
Identifiers: ClinVar variation 2444837 (VCV002444837.2), dbSNP rs2480128128, ClinGen allele CA362213605.

ClinVar aggregate classification (germline): Uncertain significance (1 of 4 stars; one submission).

Submission:

GeneDx
Classification: Uncertain significance. Last evaluated: 2026-01-12. Review status: criteria provided, single submitter. Criteria: GeneDx Variant Classification Process June 2021. Collection method: clinical testing. Allele origin: germline.
Comment: Not observed at significant frequency in large population cohorts (gnomAD); In silico analysis suggests that this missense variant does not alter protein structure/function; Has not been previously published as pathogenic or benign to our knowledge